The following is an entry in ClinVar:

NM_002890.3(RASA1):c.2513A>G (p.Asn838Ser)

Genes: CCNH (cyclin H; minus strand), RASA1 (RAS p21 protein activator 1; plus strand). Cytogenetic location: 5q14.3.
Variant type: single nucleotide variant.
Coding change: c.2513A>G on transcript NM_002890.3 (MANE Select); coding-DNA position 2513, A replaced by G.
Protein change: p.Asn838Ser; replaces asparagine 838 with serine.
Molecular consequence: missense variant. On other transcripts: intron variant (1).
Genome position (GRCh38, 1-based): chr5:87,379,760, A>G. VCF-style: chr5-87379760-A-G. GRCh37 (hg19) VCF-style: chr5-86675577-A-G.
Other names: c.1982A>G, p.Asn661Ser (NM_022650.3); c.933+15284T>C (NM_001364075.2); short protein forms N661S, N838S.
Identifiers: ClinVar variation 4767184 (VCV004767184.1).

ClinVar aggregate classification (germline): Uncertain significance (1 of 4 stars; one submission).

Conditions:
Capillary malformation-arteriovenous malformation syndrome. Also called: Capillary malformation-arteriovenous malformation. Identifiers: Orphanet 137667, MedGen C1842180, MONDO:0012016.

Submission:

Labcorp Genetics (formerly Invitae), Labcorp
Classification: Uncertain significance for Capillary malformation-arteriovenous malformation syndrome. Last evaluated: 2025-10-23. Review status: criteria provided, single submitter. Criteria: Invitae Variant Classification Sherloc (09022015). Collection method: clinical testing. Allele origin: germline.
Comment: This sequence change replaces asparagine, which is neutral and polar, with serine, which is neutral and polar, at codon 838 of the RASA1 protein (p.Asn838Ser). This variant is not present in population databases (gnomAD no frequency). This variant has not been reported in the literature in individuals affected with RASA1-related conditions. An algorithm developed to predict the effect of missense changes on protein structure and function (PolyPhen-2) suggests that this variant is likely to be tolerated. In summary, the available evidence is currently insufficient to determine the role of this variant in disease. Therefore, it has been classified as a Variant of Uncertain Significance.